The following is an entry in ClinVar:

NM_014727.3(KMT2B):c.40G>A (p.Gly14Ser)

Gene: KMT2B (lysine methyltransferase 2B; plus strand). Cytogenetic location: 19q13.12.
Variant type: single nucleotide variant.
Coding change: c.40G>A on transcript NM_014727.3 (MANE Select); coding-DNA position 40, G replaced by A.
Protein change: p.Gly14Ser; replaces glycine 14 with serine.
Molecular consequence: missense variant.
Genome position (GRCh38, 1-based): chr19:35,718,058, G>A. VCF-style: chr19-35718058-G-A. GRCh37 (hg19) VCF-style: chr19-36208960-G-A.
Other names: short protein forms G14S.
Identifiers: ClinVar variation 2649723 (VCV002649723.25), dbSNP rs960721516, ClinGen allele CA307779900.

ClinVar aggregate classification (germline): Uncertain significance. Review status: criteria provided, multiple submitters, no conflicts (2 of 4 stars). 2 submissions from 2 submitters: Uncertain significance (2). Last evaluated 2025-10-22.

Allele frequency attached by ClinVar (database versions not stated): gnomAD 0.00002; TOPMed 0.00005; gnomAD exomes 0.00006.
gnomAD v4.1: 51 of 986,788 alleles (0.0052%); highest among the groups gnomAD compares: Non-Finnish European, 0.0058%; no homozygotes.

Submissions (2):

Labcorp Genetics (formerly Invitae), Labcorp
Classification: Uncertain significance. Last evaluated: 2025-10-22. Review status: criteria provided, single submitter. Criteria: Invitae Variant Classification Sherloc (09022015). Collection method: clinical testing. Allele origin: germline.
Comment: This sequence change replaces glycine, which is neutral and non-polar, with serine, which is neutral and polar, at codon 14 of the KMT2B protein (p.Gly14Ser). The frequency data for this variant in the population databases is considered unreliable, as metrics indicate insufficient coverage at this position in the gnomAD database. This variant has not been reported in the literature in individuals affected with KMT2B-related conditions. ClinVar contains an entry for this variant (Variation ID: 2649723). Invitae Evidence Modeling of protein sequence and biophysical properties (such as structural, functional, and spatial information, amino acid conservation, physicochemical variation, residue mobility, and thermodynamic stability) indicates that this missense variant is not expected to disrupt KMT2B protein function with a negative predictive value of 95%. In summary, the available evidence is currently insufficient to determine the role of this variant in disease. Therefore, it has been classified as a Variant of Uncertain Significance.

CeGaT Center for Human Genetics Tuebingen
Classification: Uncertain significance. Last evaluated: 2023-03-01. Review status: criteria provided, single submitter. Criteria: CeGaT Center For Human Genetics Tuebingen Variant Classification Criteria Version 2. Collection method: clinical testing. Allele origin: germline. Affected: yes. Observed: 1 variant allele.